The following is an entry in ClinVar:

NM_000455.5(STK11):c.694_695del (p.Ser232fs)

Gene: STK11 (serine/threonine kinase 11; plus strand). Cytogenetic location: 19p13.3.
Variant type: Microsatellite.
Coding change: c.694_695del on transcript NM_000455.5 (MANE Select); coding-DNA positions 694 to 695, 2 bases deleted (TC; older notation c.694_695delTC).
Protein change: p.Ser232fs; shifts the reading frame from serine 232.
Molecular consequence: frameshift variant.
Genome position (GRCh38, 1-based): chr19:1,220,677-1,220,678, TC deleted; deleting any 2 consecutive bases within chr19:1,220,675-1,220,678 gives the same sequence; the c. name uses the placement nearest the transcript's 3' end. VCF-style (leftmost placement, unchanged base first): chr19-1220674-TTC-T. GRCh37 (hg19) VCF-style: chr19-1220673-TTC-T.
Other names: short protein forms S232fs.
Identifiers: ClinVar variation 860741 (VCV000860741.7), dbSNP rs2080776848, ClinGen allele CA916081946.
Genomic context (GRCh38, chr19:1,220,674, plus strand): 5'-CGGACCAGCCAGGGCTCCCCGGCTTTCCAGCCGCCCGAGATTGCCAACGGCCTGGACACC[TTC>T]TCCGGCTTCAAGGTGGACATCTGGTCGGCTGGGGTCACCCTGTAAGTGCCCCGCCCCCCC-3'

ClinVar aggregate classification (germline): Pathogenic (1 of 4 stars; one submission).

Conditions:
Peutz-Jeghers syndrome (PJS). Also called: Peutz-Jeghers polyposis; Periorificial lentiginosis syndrome; POLYPOSIS, HAMARTOMATOUS INTESTINAL; POLYPS-AND-SPOTS SYNDROME. Identifiers: Orphanet 2869, MedGen C0031269, MeSH D010580, MONDO:0008280, OMIM 175200.

Submission:

Labcorp Genetics (formerly Invitae), Labcorp
Classification: Pathogenic for Peutz-Jeghers syndrome. Last evaluated: 2019-11-20. Review status: criteria provided, single submitter. Criteria: Invitae Variant Classification Sherloc (09022015). Collection method: clinical testing. Allele origin: germline.
Comment: For these reasons, this variant has been classified as Pathogenic. Loss-of-function variants in STK11 are known to be pathogenic (PMID: 15188174, 16287113). This variant has not been reported in the literature in individuals with STK11-related conditions. This variant is not present in population databases (ExAC no frequency). This sequence change creates a premature translational stop signal (p.Ser232Argfs*33) in the STK11 gene. It is expected to result in an absent or disrupted protein product.

Literature cited by the submitters: PubMed 15188174; PubMed 16287113.